The following is an entry in ClinVar:

ClinVar aggregate classification (germline): Uncertain significance (1 of 4 stars; one submission).

Allele frequency attached by ClinVar (database versions not stated): gnomAD 0.00002; TOPMed 0.00003; ESP Exome Variant Server 0.00008.

Submission:

Labcorp Genetics (formerly Invitae), Labcorp
Classification: Uncertain significance. Last evaluated: 2025-10-02. Review status: criteria provided, single submitter. Criteria: Invitae Variant Classification Sherloc (09022015). Collection method: clinical testing. Allele origin: germline.
Comment: This sequence change replaces arginine, which is basic and polar, with glutamine, which is neutral and polar, at codon 178 of the LRRC10 protein (p.Arg178Gln). This variant is present in population databases (rs138855649, gnomAD 0.009%). This variant has not been reported in the literature in individuals affected with LRRC10-related conditions. ClinVar contains an entry for this variant (Variation ID: 843914). An algorithm developed to predict the effect of missense changes on protein structure and function outputs the following: PolyPhen-2: "Benign". The glutamine amino acid residue is found in multiple mammalian species, which suggests that this missense change does not adversely affect protein function. In summary, the available evidence is currently insufficient to determine the role of this variant in disease. Therefore, it has been classified as a Variant of Uncertain Significance.

NM_201550.4(LRRC10):c.533G>A (p.Arg178Gln)

Gene: LRRC10 (leucine rich repeat containing 10; minus strand). Cytogenetic location: 12q15.
Variant type: single nucleotide variant.
Coding change: c.533G>A on transcript NM_201550.4 (MANE Select); coding-DNA position 533, G replaced by A.
Protein change: p.Arg178Gln; replaces arginine 178 with glutamine.
Molecular consequence: missense variant.
Genome position (GRCh38, 1-based): chr12:69,610,306, C>T on the plus strand (G>A on the coding strand, the complement: LRRC10 is on the minus strand). VCF-style: chr12-69610306-C-T. GRCh37 (hg19) VCF-style: chr12-70004086-C-T.
Other names: short protein forms R178Q.
Identifiers: ClinVar variation 843914 (VCV000843914.7), dbSNP rs138855649, ClinGen allele CA6681046.